The following is an entry in ClinVar:

NM_017934.7(PHIP):c.2184A>G (p.Leu728=)

Gene: PHIP (PHIP subunit of CUL4-Ring ligase complex; minus strand). Cytogenetic location: 6q14.1.
Variant type: single nucleotide variant.
Coding change: c.2184A>G on transcript NM_017934.7 (MANE Select); coding-DNA position 2184, A replaced by G.
Protein change: p.Leu728=; no amino-acid change (leucine 728 retained).
Molecular consequence: synonymous variant.
Genome position (GRCh38, 1-based): chr6:78,997,431, T>C on the plus strand (A>G on the coding strand, the complement: PHIP is on the minus strand). VCF-style: chr6-78997431-T-C. GRCh37 (hg19) VCF-style: chr6-79707148-T-C.
Identifiers: ClinVar variation 3349418 (VCV003349418.1).

ClinVar aggregate classification (germline): Likely benign (0 of 4 stars; one submission).

Conditions:
PHIP-related disorder. Also called: PHIP-related condition; PHIP-related disorders.

gnomAD v4.1: 2 of 1,613,846 alleles (0.00012%); highest among the groups gnomAD compares: East Asian, 0.0022%; no homozygotes.

Submission:

PreventionGenetics, part of Exact Sciences
Classification: Likely benign for PHIP-related condition. Last evaluated: 2023-08-29. Review status: no assertion criteria provided. Collection method: clinical testing. Allele origin: germline.
Comment: This variant is classified as likely benign based on ACMG/AMP sequence variant interpretation guidelines (Richards et al. 2015 PMID: 25741868, with internal and published modifications).